The following is an entry in ClinVar:

ClinVar aggregate classification (germline): Uncertain significance (1 of 4 stars; one submission).

Conditions:
Arrhythmogenic right ventricular dysplasia 13. Also called: ARRHYTHMOGENIC RIGHT VENTRICULAR CARDIOMYOPATHY 13; Arrhythmogenic right ventricular dysplasia, familial, 13. Identifiers: MedGen C3810138, MONDO:0000908, OMIM 615616.

gnomAD v4.1: 2 of 1,614,034 alleles (0.00012%); highest among the groups gnomAD compares: Non-Finnish European, 0.000085%; no homozygotes.

Submission:

Labcorp Genetics (formerly Invitae), Labcorp
Classification: Uncertain significance for Arrhythmogenic right ventricular dysplasia 13. Last evaluated: 2024-02-29. Review status: criteria provided, single submitter. Criteria: Invitae Variant Classification Sherloc (09022015). Collection method: clinical testing. Allele origin: germline.
Comment: This sequence change replaces alanine, which is neutral and non-polar, with proline, which is neutral and non-polar, at codon 236 of the CTNNA3 protein (p.Ala236Pro). This variant is present in population databases (rs781528718, gnomAD 0.0009%). This variant has not been reported in the literature in individuals affected with CTNNA3-related conditions. Advanced modeling of protein sequence and biophysical properties (such as structural, functional, and spatial information, amino acid conservation, physicochemical variation, residue mobility, and thermodynamic stability) performed at Invitae indicates that this missense variant is expected to disrupt CTNNA3 protein function with a positive predictive value of 80%. In summary, the available evidence is currently insufficient to determine the role of this variant in disease. Therefore, it has been classified as a Variant of Uncertain Significance.

NM_013266.4(CTNNA3):c.706G>C (p.Ala236Pro)

Gene: CTNNA3 (catenin alpha 3; minus strand). Cytogenetic location: 10q21.3.
Variant type: single nucleotide variant.
Coding change: c.706G>C on transcript NM_013266.4 (MANE Select); coding-DNA position 706, G replaced by C.
Protein change: p.Ala236Pro; replaces alanine 236 with proline.
Molecular consequence: missense variant.
Genome position (GRCh38, 1-based): chr10:67,219,744, C>G on the plus strand (G>C on the coding strand, the complement: CTNNA3 is on the minus strand). VCF-style: chr10-67219744-C-G. GRCh37 (hg19) VCF-style: chr10-68979502-C-G.
Other names: c.706G>C, p.Ala236Pro (NM_001127384.3); c.742G>C, p.Ala248Pro (NM_001291133.2); short protein forms A236P, A248P.
Identifiers: ClinVar variation 3643687 (VCV003643687.2).